The following is an entry in ClinVar:

NM_001849.4(COL6A2):c.2503G>A (p.Val835Ile)

Gene: COL6A2 (collagen type VI alpha 2 chain; plus strand). Cytogenetic location: 21q22.3.
Variant type: single nucleotide variant.
Coding change: c.2503G>A on transcript NM_001849.4 (MANE Select); coding-DNA position 2503, G replaced by A.
Protein change: p.Val835Ile; replaces valine 835 with isoleucine.
Molecular consequence: missense variant.
Genome position (GRCh38, 1-based): chr21:46,131,995, G>A. VCF-style: chr21-46131995-G-A. GRCh37 (hg19) VCF-style: chr21-47551909-G-A.
Other names: short protein forms V835I.
Identifiers: ClinVar variation 340378 (VCV000340378.17), dbSNP rs117668143, ClinGen allele CA10072913.

ClinVar aggregate classification (germline): Benign/Likely benign. Review status: criteria provided, multiple submitters, no conflicts (2 of 4 stars). 4 submissions from 4 submitters: Benign (2); Likely benign (1). 1 of the submissions does not count toward it. Last evaluated 2025-12-02.

Conditions:
Collagen 6-related myopathy. Identifiers: MedGen CN117976, MONDO:0100225.
Bethlem myopathy 1A. Also called: MYOPATHY, BENIGN CONGENITAL, WITH CONTRACTURES; Bethlem myopathy 1; Bethlem Muscular Dystrophy. Identifiers: Orphanet 610, MedGen CN029274, MONDO:0024530, OMIM 158810.
COL6A2-related disorder.

Allele frequency attached by ClinVar (database versions not stated): ESP Exome Variant Server 0.00015; TOPMed 0.00079; gnomAD exomes 0.00097 and 0.00188; gnomAD 0.00101 and 0.00127; 1000 Genomes Project 30x 0.00172; 1000 Genomes Project 0.00220; ExAC 0.00231.
gnomAD v4.1: 1,583 of 1,610,044 alleles (0.098%); highest among the groups gnomAD compares: East Asian, 2.4%; 13 homozygotes.

Submissions (4):

Labcorp Genetics (formerly Invitae), Labcorp
Classification: Benign for Bethlem myopathy 1A. Last evaluated: 2025-12-02. Review status: criteria provided, single submitter. Criteria: Invitae Variant Classification Sherloc (09022015). Collection method: clinical testing. Allele origin: germline.

Illumina Laboratory Services, Illumina
Classification: Benign for Collagen VI-related myopathy. Last evaluated: 2018-01-12. Review status: criteria provided, single submitter. Criteria: ICSL Variant Classification Criteria 13 December 2019. Collection method: clinical testing. Allele origin: germline.
Comment: This variant was observed in the ICSL laboratory as part of a predisposition screen in an ostensibly healthy population. It had not been previously curated by ICSL or reported in the Human Gene Mutation Database (HGMD: prior to June 1st, 2018), and was therefore a candidate for classification through an automated scoring system. Utilizing variant allele frequency, disease prevalence and penetrance estimates, and inheritance mode, an automated score was calculated to assess if this variant is too frequent to cause the disease. Based on the score and internal cut-off values, a variant classified as benign is not then subjected to further curation. The score for this variant resulted in a classification of benign for this disease.

GeneDx
Classification: Likely benign. Last evaluated: 2017-03-29. Review status: criteria provided, single submitter. Criteria: GeneDx Variant Classification (06012015). Collection method: clinical testing. Allele origin: germline. Affected: yes.
Comment: This variant is considered likely benign or benign based on one or more of the following criteria: it is a conservative change, it occurs at a poorly conserved position in the protein, it is predicted to be benign by multiple in silico algorithms, and/or has population frequency not consistent with disease.

PreventionGenetics, part of Exact Sciences
Classification: Benign for COL6A2-related condition. Last evaluated: 2019-09-10. Review status: no assertion criteria provided. Collection method: clinical testing. Allele origin: germline. Not counted in ClinVar's aggregate classification.
Comment: This variant is classified as benign based on ACMG/AMP sequence variant interpretation guidelines (Richards et al. 2015 PMID: 25741868, with internal and published modifications).